The following is an entry in ClinVar:

NM_004260.4(RECQL4):c.3484C>T (p.Arg1162Cys)

Gene: RECQL4 (RecQ like helicase 4; minus strand). Cytogenetic location: 8q24.3.
Variant type: single nucleotide variant.
Coding change: c.3484C>T on transcript NM_004260.4 (MANE Select); coding-DNA position 3484, C replaced by T.
Protein change: p.Arg1162Cys; replaces arginine 1162 with cysteine.
Molecular consequence: missense variant.
Genome position (GRCh38, 1-based): chr8:144,511,699, G>A on the plus strand (C>T on the coding strand, the complement: RECQL4 is on the minus strand). VCF-style: chr8-144511699-G-A. GRCh37 (hg19) VCF-style: chr8-145737082-G-A.
Other names: short protein forms R1162C.
Identifiers: ClinVar variation 577055 (VCV000577055.8), dbSNP rs773088003, ClinGen allele CA4947722.

ClinVar aggregate classification (germline): Uncertain significance. Review status: criteria provided, multiple submitters, no conflicts (2 of 4 stars). 2 submissions from 2 submitters: Uncertain significance (2). Last evaluated 2025-05-06.

Conditions:
Inborn genetic diseases. Identifiers: MedGen C0950123, MeSH D030342.
Baller-Gerold syndrome (BGS). Also called: CRANIOSYNOSTOSIS WITH RADIAL DEFECTS. Identifiers: Orphanet 1225, MedGen C0265308, MONDO:0009039, OMIM 218600.

Allele frequency attached by ClinVar (database versions not stated): ExAC 0.00001; gnomAD exomes 0.00001; gnomAD 0.00002.
gnomAD v4.1: 19 of 1,612,330 alleles (0.0012%); highest among the groups gnomAD compares: African/African-American, 0.0027%; no homozygotes.

Submissions (2):

Labcorp Genetics (formerly Invitae), Labcorp
Classification: Uncertain significance for Baller-Gerold syndrome. Last evaluated: 2025-05-06. Review status: criteria provided, single submitter. Criteria: Invitae Variant Classification Sherloc (09022015). Collection method: clinical testing. Allele origin: germline.
Comment: This sequence change replaces arginine, which is basic and polar, with cysteine, which is neutral and slightly polar, at codon 1162 of the RECQL4 protein (p.Arg1162Cys). This variant is present in population databases (rs773088003, gnomAD 0.003%). This variant has not been reported in the literature in individuals affected with RECQL4-related conditions. ClinVar contains an entry for this variant (Variation ID: 577055). Invitae Evidence Modeling of protein sequence and biophysical properties (such as structural, functional, and spatial information, amino acid conservation, physicochemical variation, residue mobility, and thermodynamic stability) indicates that this missense variant is expected to disrupt RECQL4 protein function with a positive predictive value of 80%. In summary, the available evidence is currently insufficient to determine the role of this variant in disease. Therefore, it has been classified as a Variant of Uncertain Significance.

Ambry Genetics
Classification: Uncertain significance for Inborn genetic diseases. Last evaluated: 2025-05-04. Review status: criteria provided, single submitter. Criteria: Ambry Variant Classification Scheme 2023. Collection method: clinical testing. Allele origin: germline.
Comment: The p.R1162C variant (also known as c.3484C>T), located in coding exon 20 of the RECQL4 gene, results from a C to T substitution at nucleotide position 3484. The arginine at codon 1162 is replaced by cysteine, an amino acid with highly dissimilar properties. This amino acid position is conserved. Based on the available evidence, the clinical significance of this variant remains unclear.